The following is an entry in ClinVar:

NM_001958.5(EEF1A2):c.1029+13G>A

Gene: EEF1A2 (eukaryotic translation elongation factor 1 alpha 2; minus strand). Cytogenetic location: 20q13.33.
Variant type: single nucleotide variant.
Coding change: c.1029+13G>A on transcript NM_001958.5 (MANE Select); 13 bases into the intron after coding-DNA position 1029, G replaced by A.
Molecular consequence: intron variant.
Genome position (GRCh38, 1-based): chr20:63,490,466, C>T on the plus strand (G>A on the coding strand, the complement: EEF1A2 is on the minus strand). VCF-style: chr20-63490466-C-T. GRCh37 (hg19) VCF-style: chr20-62121819-C-T.
Identifiers: ClinVar variation 515808 (VCV000515808.9), dbSNP rs374272155, ClinGen allele CA9958987.
Genomic context (GRCh38, chr20:63,490,466, plus strand): 5'-AGCAGCCTCACCCAGGACAGTCCTGCTGCTGTCCAGCAGGCGCCAGCCCCCTGGACCCAG[C>T]GCAGCCCCCCACCTGGGAGGTGAACTGAGCAGCCTCCTGCGGCGGGTCAGACTTGCTGTC-3'

ClinVar aggregate classification (germline): Likely benign. Review status: criteria provided, multiple submitters, no conflicts (2 of 4 stars). 2 submissions from 2 submitters: Likely benign (2). Last evaluated 2024-06-28.

Conditions:
Developmental and epileptic encephalopathy, 33 (DEE33). Also called: Epileptic encephalopathy, early infantile, 33. Identifiers: Orphanet 442835, MedGen C4225337, MONDO:0014625, OMIM 616409.

Allele frequency attached by ClinVar (database versions not stated): ESP Exome Variant Server 0.00008; TOPMed 0.00005; gnomAD 0.00005 and 0.00006.

Submissions (2):

Labcorp Genetics (formerly Invitae), Labcorp
Classification: Likely benign for Developmental and epileptic encephalopathy, 33. Last evaluated: 2024-06-28. Review status: criteria provided, single submitter. Criteria: Invitae Variant Classification Sherloc (09022015). Collection method: clinical testing. Allele origin: germline.

GeneDx
Classification: Likely benign. Last evaluated: 2018-03-05. Review status: criteria provided, single submitter. Criteria: GeneDx Variant Classification (06012015). Collection method: clinical testing. Allele origin: germline. Affected: yes.
Comment: This variant is considered likely benign or benign based on one or more of the following criteria: it is a conservative change, it occurs at a poorly conserved position in the protein, it is predicted to be benign by multiple in silico algorithms, and/or has population frequency not consistent with disease.